The following is an entry in ClinVar:

NM_004519.4(KCNQ3):c.*5391C>T

Gene: KCNQ3 (potassium voltage-gated channel subfamily Q member 3; minus strand). Cytogenetic location: 8q24.22.
Variant type: single nucleotide variant.
Coding change: c.*5391C>T on transcript NM_004519.4 (MANE Select); 5391 bases downstream of the stop codon, C replaced by T.
Molecular consequence: 3 prime UTR variant.
Genome position (GRCh38, 1-based): chr8:132,123,871, G>A on the plus strand (C>T on the coding strand, the complement: KCNQ3 is on the minus strand). VCF-style: chr8-132123871-G-A. GRCh37 (hg19) VCF-style: chr8-133136118-G-A.
Other names: c.*5391C>T (NM_001204824.2).
Identifiers: ClinVar variation 361794 (VCV000361794.29), dbSNP rs569024726, ClinGen allele CA10630154.

ClinVar aggregate classification (germline): Conflicting classifications of pathogenicity. Review status: criteria provided, conflicting classifications (1 of 4 stars). 2 submissions from 2 submitters: Uncertain significance (1); Benign (1). Last evaluated 2022-08-01.

Conditions:
Seizures, benign familial neonatal, 2. Also called: CONVULSIONS, BENIGN FAMILIAL NEONATAL, 2; Benign Neonatal Epilepsy 2; Seizures, benign neonatal, 2; KCNQ3-Related Benign Familial Neonatal Epilepsy; KCNQ3-Related Self-Limited Familial Neonatal Epilepsy (SLFNE). Identifiers: Orphanet 1949, MedGen C1852581, MONDO:0007366, OMIM 121201.

Allele frequency attached by ClinVar (database versions not stated): 1000 Genomes Project 0.00020; gnomAD 0.00021 and 0.00027; TOPMed 0.00025; 1000 Genomes Project 30x 0.00031.

Submissions (2):

CeGaT Center for Human Genetics Tuebingen
Classification: Benign. Last evaluated: 2022-08-01. Review status: criteria provided, single submitter. Criteria: CeGaT Center For Human Genetics Tuebingen Variant Classification Criteria Version 2. Collection method: clinical testing. Allele origin: germline. Affected: yes. Observed: 2 variant alleles.
Comment: KCNQ3: BS1, BS2

Illumina Laboratory Services, Illumina
Classification: Uncertain significance for Seizures, benign familial neonatal, 2. Last evaluated: 2018-01-13. Review status: criteria provided, single submitter. Criteria: ICSL Variant Classification Criteria 13 December 2019. Collection method: clinical testing. Allele origin: germline.